The following is an entry in ClinVar:

NM_000166.6(GJB1):c.268C>T (p.Leu90Phe)

Gene: GJB1 (gap junction protein beta 1; plus strand). Cytogenetic location: Xq13.1.
Variant type: single nucleotide variant.
Coding change: c.268C>T on transcript NM_000166.6 (MANE Select); coding-DNA position 268, C replaced by T.
Protein change: p.Leu90Phe; replaces leucine 90 with phenylalanine.
Molecular consequence: missense variant.
Genome position (GRCh38, 1-based): chrX:71,223,975, C>T. VCF-style: chrX-71223975-C-T. GRCh37 (hg19) VCF-style: chrX-70443825-C-T.
Other names: c.268C>T, p.Leu90Phe (NM_001097642.3); short protein forms L90F.
Identifiers: ClinVar variation 1328126 (VCV001328126.11), dbSNP rs1299325261, ClinGen allele CA413501714.
Genomic context (GRCh38, chrX:71,223,975, plus strand): 5'-CCCATCTCCCATGTGCGGCTGTGGTCCCTGCAGCTCATCCTAGTTTCCACCCCAGCTCTC[C>T]TCGTGGCCATGCACGTGGCTCACCAGCAACACATAGAGAAGAAAATGCTACGGCTTGAGG-3'
Protein context (NP_000157.1, residues 80-100): QLILVSTPAL[Leu90Phe]VAMHVAHQQH

ClinVar aggregate classification (germline): Conflicting classifications of pathogenicity. Review status: criteria provided, conflicting classifications (1 of 4 stars). 4 submissions from 4 submitters: Likely pathogenic (1); Uncertain significance (3). Last evaluated 2024-03-12.

Conditions:
GJB1-related disorder. Also called: GJB1-related disorders; GJB1-related condition.
Inborn genetic diseases. Identifiers: MedGen C0950123, MeSH D030342.
Charcot-Marie-Tooth Neuropathy X. Identifiers: MedGen CN118851.

Allele frequency attached by ClinVar (database versions not stated): gnomAD exomes below 0.00001 and 0.00001; TOPMed below 0.00001; gnomAD 0.00001.
gnomAD v4.1: 3 of 1,201,357 alleles (0.00025%); highest among the groups gnomAD compares: African/African-American, 0.0035%; no homozygotes.

Submissions (4):

GeneDx
Classification: Likely pathogenic. Last evaluated: 2024-03-12. Review status: criteria provided, single submitter. Criteria: GeneDx Variant Classification Process June 2021. Collection method: clinical testing. Allele origin: germline. Affected: yes.
Comment: Missense variants in this gene are a common cause of disease and they are underrepresented in the general population; In silico analysis supports that this missense variant has a deleterious effect on protein structure/function; Has not been previously published as pathogenic or benign to our knowledge; This variant is associated with the following publications: (PMID: 26274329, 27804109)

Labcorp Genetics (formerly Invitae), Labcorp
Classification: Uncertain significance for Charcot-Marie-Tooth Neuropathy X. Last evaluated: 2023-12-15. Review status: criteria provided, single submitter. Criteria: Invitae Variant Classification Sherloc (09022015). Collection method: clinical testing. Allele origin: germline.
Comment: This sequence change replaces leucine, which is neutral and non-polar, with phenylalanine, which is neutral and non-polar, at codon 90 of the GJB1 protein (p.Leu90Phe). The frequency data for this variant in the population databases is considered unreliable, as metrics indicate poor data quality at this position in the gnomAD database. This variant has not been reported in the literature in individuals affected with GJB1-related conditions. ClinVar contains an entry for this variant (Variation ID: 1328126). Advanced modeling of protein sequence and biophysical properties (such as structural, functional, and spatial information, amino acid conservation, physicochemical variation, residue mobility, and thermodynamic stability) has been performed at Invitae for this missense variant, however the output from this modeling did not meet the statistical confidence thresholds required to predict the impact of this variant on GJB1 protein function. This variant disrupts the p.Leu90 amino acid residue in GJB1. Other variant(s) that disrupt this residue have been determined to be pathogenic (PMID: 9018031, 9592087, 10737979, 26274329, 27804109). This suggests that this residue is clinically significant, and that variants that disrupt this residue are likely to be disease-causing. In summary, the available evidence is currently insufficient to determine the role of this variant in disease. Therefore, it has been classified as a Variant of Uncertain Significance.

Ambry Genetics
Classification: Uncertain significance for Inborn genetic diseases. Last evaluated: 2022-03-25. Review status: criteria provided, single submitter. Criteria: Ambry Variant Classification Scheme 2023. Collection method: clinical testing. Allele origin: germline.
Comment: The p.L90F variant (also known as c.268C>T), located in coding exon 1 of the GJB1 gene, results from a C to T substitution at nucleotide position 268. The leucine at codon 90 is replaced by phenylalanine, an amino acid with highly similar properties. Based on data from gnomAD, the T allele has an overall frequency of 0.001070% (2/186839) total alleles studied, with zero hemizygote(s) observed. The highest observed frequency was 0.005555% (1/18003) of African/African American alleles. This amino acid position is highly conserved in available vertebrate species. In addition, this alteration is predicted to be deleterious by in silico analysis. Since supporting evidence is limited at this time, the clinical significance of this alteration remains unclear.

Illumina Laboratory Services, Illumina
Classification: Uncertain significance for GJB1-related disorders. Last evaluated: 2021-08-11. Review status: criteria provided, single submitter. Criteria: ICSLVariantClassificationCriteria RUGD 01 April 2020. Collection method: clinical testing. Allele origin: unknown.
Comment: The GJB1 c.268C>T (p.Leu90Phe) variant is a missense variant. A literature search was performed for the gene, cDNA change, and amino acid change. No publications were found based on this search. However, three different variants at the same amino acid position have been reported in the literature in individuals with Charcot-Marie-Tooth disease (Latour et al. 1997; Mersiyanova et al. 2000; Lui et al. 2017). Functional studies using heterologous expression systems demonstrated that both p.Leu90Pro and p.Leu90His are unable to form functional gap junctions at the cell membrane (Ressot et al. 1998; Lui et al.2017). The p.Leu90Phe variant is located in the second transmembrane domain of the connexin 32 protein where a number of other pathogenic variants are located (Panosyan et al. 2017). The p.Leu90Phe variant is reported at a frequency of 0.000011 in the total population of the Genome Aggregation Database (version 2.1.1), though this is based on two alleles in a region of good sequence coverage so the variant is presumed to be rare. Based on the available evidence, the p.Leu90Phe variant is classified as a variant of uncertain significance for GJB1-related disorders.

Literature cited by the submitters: PubMed 9018031 (cited by Labcorp Genetics (formerly Invitae), Labcorp and Illumina Laboratory Services, Illumina); PubMed 9592087 (cited by Labcorp Genetics (formerly Invitae), Labcorp and Illumina Laboratory Services, Illumina); PubMed 10737979 (cited by Labcorp Genetics (formerly Invitae), Labcorp and Illumina Laboratory Services, Illumina); PubMed 26274329 (cited by Labcorp Genetics (formerly Invitae), Labcorp); PubMed 27804109 (cited by Labcorp Genetics (formerly Invitae), Labcorp and Illumina Laboratory Services, Illumina); PubMed 28768847 (cited by Illumina Laboratory Services, Illumina).